The following is an entry in ClinVar:

NM_000426.4(LAMA2):c.176G>A (p.Gly59Glu)

Gene: LAMA2 (laminin subunit alpha 2; plus strand). Cytogenetic location: 6q22.33.
Variant type: single nucleotide variant.
Coding change: c.176G>A on transcript NM_000426.4 (MANE Select); coding-DNA position 176, G replaced by A.
Protein change: p.Gly59Glu; replaces glycine 59 with glutamic acid.
Molecular consequence: missense variant.
Genome position (GRCh38, 1-based): chr6:129,049,981, G>A. VCF-style: chr6-129049981-G-A. GRCh37 (hg19) VCF-style: chr6-129371126-G-A.
Other names: c.176G>A, p.Gly59Glu (NM_001079823.2); short protein forms G59E.
Identifiers: ClinVar variation 1339227 (VCV001339227.3), dbSNP rs748303070, ClinGen allele CA3992240.

ClinVar aggregate classification (germline): Conflicting classifications of pathogenicity. Review status: criteria provided, conflicting classifications (1 of 4 stars). 2 submissions from 2 submitters: Likely pathogenic (1); Uncertain significance (1). Last evaluated 2025-08-23.

Conditions:
Merosin deficient congenital muscular dystrophy (MDC1A). Also called: Congenital merosin-deficient muscular dystrophy 1A; Congenital Muscular Dystrophy Type 1A (MDC1A). Identifiers: Orphanet 258, MedGen C1263858, MONDO:0011925, OMIM 607855.

Allele frequency attached by ClinVar (database versions not stated): gnomAD exomes below 0.00001; ExAC 0.00001.
gnomAD v4.1: 1 of 1,613,950 alleles (0.000062%); highest among the groups gnomAD compares: South Asian, 0.0011%; no homozygotes.

Submissions (2):

Centre for Medical Genetics,  Mumbai
Classification: Likely pathogenic for Merosin deficient congenital muscular dystrophy. Last evaluated: 2025-08-23. Review status: criteria provided, single submitter. Criteria: ACMG Guidelines, 2015. Collection method: clinical testing. Allele origin: germline. Affected: yes. Observed: 1 variant allele, 1 homozygote.

Neuberg Centre For Genomic Medicine, NCGM
Classification: Uncertain significance for Merosin deficient congenital muscular dystrophy. Review status: criteria provided, single submitter. Criteria: ACMG Guidelines, 2015. Collection method: clinical testing. Allele origin: germline. Affected: yes.
Comment: The missense variant p.G59E in LAMA2 (NM_000426.4) has not been reported previously as a pathogenic variant nor as a benign variant, to our knowledge. The p.G59E variant is observed in 1/30,616 (0.0033%) alleles from individuals of South Asian background in gnomAD Exomes and is novel (not in any individuals) in 1000 Genomes. There is a moderate physicochemical difference between glycine and glutamic acid. The p.G59E missense variant is predicted to be damaging by both SIFT and PolyPhen2. The glycine residue at codon 59 of LAMA2 is conserved in all mammalian species. The nucleotide c.176 in LAMA2 is predicted conserved by GERP++ and PhyloP across 100 vertebrates. For these reasons, this variant has been classified as Uncertain Significance.